The following is an entry in ClinVar:

NM_133636.5(HELQ):c.108C>G (p.Pro36=)

Genes: HELQ (helicase, POLQ like; minus strand), LOC112997542 (Sharpr-MPRA regulatory region 5990; plus strand). Cytogenetic location: 4q21.23.
Variant type: single nucleotide variant.
Coding change: c.108C>G on transcript NM_133636.5 (MANE Select); coding-DNA position 108, C replaced by G.
Protein change: p.Pro36=; no amino-acid change (proline 36 retained).
Molecular consequence: synonymous variant. On other transcripts: 5 prime UTR variant (2), non-coding transcript variant (1).
Genome position (GRCh38, 1-based): chr4:83,455,586, G>C on the plus strand (C>G on the coding strand, the complement: HELQ is on the minus strand). VCF-style: chr4-83455586-G-C. GRCh37 (hg19) VCF-style: chr4-84376739-G-C.
Other names: c.108C>G, p.Pro36= (NM_001297755.2, NM_001297758.2, NM_001297759.2); c.-1397C>G (NM_001297756.2); c.-1427C>G (NM_001297757.2).
Identifiers: ClinVar variation 3041319 (VCV003041319.2), dbSNP rs146273386, ClinGen allele CA2990080.

ClinVar aggregate classification (germline): Benign (0 of 4 stars; one submission).

Conditions:
HELQ-related disorder. Also called: HELQ-related condition.

Allele frequency attached by ClinVar (database versions not stated): gnomAD exomes 0.00021; ExAC 0.00072; ESP Exome Variant Server 0.00200; 1000 Genomes Project 0.00220; 1000 Genomes Project 30x 0.00234.
gnomAD v4.1: 675 of 1,614,076 alleles (0.042%); highest among the groups gnomAD compares: African/African-American, 0.82%; 2 homozygotes.

Submission:

PreventionGenetics, part of Exact Sciences
Classification: Benign for HELQ-related condition. Last evaluated: 2019-06-02. Review status: no assertion criteria provided. Collection method: clinical testing. Allele origin: germline.
Comment: This variant is classified as benign based on ACMG/AMP sequence variant interpretation guidelines (Richards et al. 2015 PMID: 25741868, with internal and published modifications).